The following is an entry in ClinVar:

NM_024649.5(BBS1):c.1474G>T (p.Val492Phe)

Genes: ZDHHC24 (zDHHC palmitoyltransferase 24; minus strand), BBS1 (Bardet-Biedl syndrome 1; plus strand). Cytogenetic location: 11q13.2.
Variant type: single nucleotide variant.
Coding change: c.1474G>T on transcript NM_024649.5 (MANE Select); coding-DNA position 1474, G replaced by T.
Protein change: p.Val492Phe; replaces valine 492 with phenylalanine.
Molecular consequence: missense variant. On other transcripts: intron variant (1).
Genome position (GRCh38, 1-based): chr11:66,530,894, G>T. VCF-style: chr11-66530894-G-T. GRCh37 (hg19) VCF-style: chr11-66298365-G-T.
Other names: c.560-1406C>A (NM_001348571.2); c.1474G>T (NM_024649.4); short protein forms V492F.
Identifiers: ClinVar variation 1450459 (VCV001450459.11), dbSNP rs747604822, ClinGen allele CA6123797.

ClinVar aggregate classification (germline): Uncertain significance. Review status: criteria provided, multiple submitters, no conflicts (2 of 4 stars). 4 submissions from 4 submitters: Uncertain significance (4). Last evaluated 2025-05-10.

Conditions:
Inborn genetic diseases. Identifiers: MedGen C0950123, MeSH D030342.
BBS1-related disorder. Also called: BBS1-related condition.
Bardet-Biedl syndrome 1 (BBS1). Identifiers: MedGen C2936862, MONDO:0008854, OMIM 209900. Disease mechanism: loss of function.
Bardet-Biedl syndrome (BBS). Identifiers: Orphanet 110, MedGen C0752166, MONDO:0015229.

Allele frequency attached by ClinVar (database versions not stated): ExAC 0.00002; gnomAD exomes 0.00002.
gnomAD v4.1: 5 of 1,614,192 alleles (0.00031%); highest among the groups gnomAD compares: Admixed American, 0.0083%; no homozygotes.

Submissions (4):

PreventionGenetics, part of Exact Sciences
Classification: Uncertain significance for BBS1-related condition. Last evaluated: 2025-05-10. Review status: criteria provided, single submitter. Criteria: ACMG Guidelines, 2015. Collection method: clinical testing. Allele origin: germline.
Comment: The BBS1 c.1474G>T variant is predicted to result in the amino acid substitution p.Val492Phe. To our knowledge, this variant has not been reported in the literature. This variant is reported in 0.014% of alleles in individuals of Latino descent in gnomAD. At this time, the clinical significance of this variant is uncertain due to the absence of conclusive functional and genetic evidence.

Labcorp Genetics (formerly Invitae), Labcorp
Classification: Uncertain significance for Bardet-Biedl syndrome. Last evaluated: 2023-08-04. Review status: criteria provided, single submitter. Criteria: Invitae Variant Classification Sherloc (09022015). Collection method: clinical testing. Allele origin: germline.
Comment: This sequence change replaces valine, which is neutral and non-polar, with phenylalanine, which is neutral and non-polar, at codon 492 of the BBS1 protein (p.Val492Phe). This variant is present in population databases (rs747604822, gnomAD 0.01%). This variant has not been reported in the literature in individuals affected with BBS1-related conditions. ClinVar contains an entry for this variant (Variation ID: 1450459). An algorithm developed to predict the effect of missense changes on protein structure and function (PolyPhen-2) suggests that this variant is likely to be disruptive. Algorithms developed to predict the effect of sequence changes on RNA splicing suggest that this variant may create or strengthen a splice site. In summary, the available evidence is currently insufficient to determine the role of this variant in disease. Therefore, it has been classified as a Variant of Uncertain Significance.

Fulgent Genetics
Classification: Uncertain significance for Bardet-Biedl syndrome 1. Last evaluated: 2022-05-15. Review status: criteria provided, single submitter. Criteria: ACMG Guidelines, 2015. Collection method: clinical testing. Allele origin: unknown.

Ambry Genetics
Classification: Uncertain significance for Inborn genetic diseases. Last evaluated: 2021-12-20. Review status: criteria provided, single submitter. Criteria: Ambry Variant Classification Scheme 2023. Collection method: clinical testing. Allele origin: germline.